The following is an entry in ClinVar:

ClinVar aggregate classification (germline): Likely benign (1 of 4 stars; one submission).

Conditions:
Familial cancer of breast. Also called: Hereditary breast cancer; hereditary breast carcinoma; BREAST CANCER, FAMILIAL. Identifiers: Orphanet 227535, MedGen C0346153, MONDO:0016419, OMIM 114480. Disease mechanism: loss of function.

Submission:

Myriad Genetics, Inc.
Classification: Likely benign for Familial cancer of breast. Last evaluated: 2025-01-21. Review status: criteria provided, single submitter. Criteria: Myriad Autosomal Dominant, Autosomal Recessive and X-Linked Classification Criteria (2023). Collection method: clinical testing. Allele origin: unknown.
Comment: This variant is considered likely benign. This variant is intronic and is not expected to impact mRNA splicing.

NM_024675.4(PALB2):c.2997-14del

Gene: PALB2 (partner and localizer of BRCA2; minus strand). Cytogenetic location: 16p12.2.
Variant type: Deletion.
Coding change: c.2997-14del on transcript NM_024675.4 (MANE Select); 14 bases into the intron before coding-DNA position 2997, one base deleted (T; older notation c.2997-14delT).
Molecular consequence: intron variant.
Genome position (GRCh38, 1-based): chr16:23,621,492, A deleted on the plus strand (T on the coding strand, the reverse complement: PALB2 is on the minus strand). VCF-style (leftmost placement, unchanged base first): chr16-23621491-CA-C. GRCh37 (hg19) VCF-style: chr16-23632812-CA-C.
Other names: c.2112-14del (NM_001407308.1, NM_001407306.1, NM_001407309.1 and 4 more transcripts); c.531-14del (NM_001407314.1); c.1209-14del (NM_001407313.1, NM_001407312.1); c.2937-14del (NM_001407296.1); c.2925-14del (NM_001407297.1); c.2835-14del (NM_001407302.1, NM_001407298.1); c.2834+2517del (NM_001407300.1); c.2997-14del (NM_001407299.1, NM_001407301.1); and 1 more.
Identifiers: ClinVar variation 3904110 (VCV003904110.1).